The following is an entry in ClinVar:

ClinVar aggregate classification (germline): Likely pathogenic (1 of 4 stars; one submission).

Conditions:
RNU2-2 related disorder.

gnomAD v4.1: 4 of 152,234 alleles (0.0026%); highest among the groups gnomAD compares: Non-Finnish European, 0.0044%; no homozygotes.

Submission:

Institute for Human Genetics, University Hospital Essen
Classification: Likely pathogenic for RNU2-2 related disorder. Last evaluated: 2025-11-27. Review status: criteria provided, single submitter. Criteria: Submitter's publication. Collection method: clinical testing. Allele origin: inherited. Inheritance: Autosomal recessive inheritance. Affected: yes. Observed: 1 variant allele, 1 compound heterozygote.
Comment: PS4_supp, PM1_supp, PM2_supp, PM3, PP1 (criteria rationale detailed in Leitão et al. Nature Genetics 2026)

NR_199791.1(RNU2-2):n.158G>C

Genes: RNU2-2 (RNA, U2 small nuclear 2; minus strand), WDR74 (WD repeat domain 74; minus strand). Cytogenetic location: 11q12.3.
Variant type: single nucleotide variant.
Molecular consequence: non-coding transcript variant (on NR_199791.1). On other transcripts: 5 prime UTR variant (1).
Genome position: GRCh38 VCF-style: chr11-62841652-C-G. GRCh37 (hg19) VCF-style: chr11-62609124-C-G.
Other names: c.-381G>C (NM_001369451.1).
Identifiers: ClinVar variation 4540537 (VCV004540537.1).